The following is an entry in ClinVar:

Conditions:
Long QT syndrome 5 (LQT5). Identifiers: Orphanet 101016, Orphanet 768, MedGen C1867904, MONDO:0013372, OMIM 613695.

Submission:

Roden Lab, Vanderbilt University Medical Center
No classification provided (evidence only). Condition: Long QT syndrome 5. Review status: no classification provided. Collection method: in vitro. Allele origin: not applicable. Functional consequence: Effect on ion channel function.
ClinVar note: "not provided" was previously submitted as the classification for the variant. However, the classification appeared to be based only on an observation of functional data so it was converted to no classification on 2025-07-30.

NM_000219.6(KCNE1):c.32C>A (p.Pro11His)

Gene: KCNE1 (potassium voltage-gated channel subfamily E regulatory subunit 1; minus strand). Cytogenetic location: 21q22.12.
Variant type: single nucleotide variant.
Coding change: c.32C>A on transcript NM_000219.6 (MANE Select); coding-DNA position 32, C replaced by A.
Protein change: p.Pro11His; replaces proline 11 with histidine.
Molecular consequence: missense variant.
Genome position (GRCh38, 1-based): chr21:34,449,603, G>T on the plus strand (C>A on the coding strand, the complement: KCNE1 is on the minus strand). VCF-style: chr21-34449603-G-T. GRCh37 (hg19) VCF-style: chr21-35821901-G-T.
Other names: c.32C>A, p.Pro11His (NM_001127668.4, NM_001127669.4, NM_001127670.4 and 4 more transcripts); short protein forms P11H.
Identifiers: ClinVar variation 3374635 (VCV003374635.2).
Genomic context (GRCh38, chr21:34,449,603, plus strand): 5'-GCCAGGCCCGACATGTTGCCACCCTGCTGAACTGTCTCCTGCCACAGCTTGGTCAGAAAG[G>T]GCGTCACCGCTGTGGTGTTAGACAGGATCATCCTGGGCATTAAGGTTCCACTGCTGCAGC-3'
Protein context (NP_000210.2, residues 1-21): MILSNTTAVT[Pro11His]FLTKLWQETV